The following is an entry in ClinVar:

NM_182641.4(BPTF):c.2357A>G (p.Gln786Arg)

Gene: BPTF (bromodomain PHD finger transcription factor; plus strand). Cytogenetic location: 17q24.2.
Variant type: single nucleotide variant.
Coding change: c.2357A>G on transcript NM_182641.4 (MANE Select); coding-DNA position 2357, A replaced by G.
Protein change: p.Gln786Arg; replaces glutamine 786 with arginine.
Molecular consequence: missense variant.
Genome position (GRCh38, 1-based): chr17:67,893,671, A>G. VCF-style: chr17-67893671-A-G. GRCh37 (hg19) VCF-style: chr17-65889787-A-G.
Other names: c.2357A>G (NM_182641.3); c.2735A>G, p.Gln912Arg (NM_004459.7); short protein forms Q786R, Q912R.
Identifiers: ClinVar variation 3365425 (VCV003365425.2).

ClinVar aggregate classification (germline): Uncertain significance. Review status: criteria provided, multiple submitters, no conflicts (2 of 4 stars). 2 submissions from 2 submitters: Uncertain significance (2). Last evaluated 2026-05-23.

Conditions:
Inborn genetic diseases. Identifiers: MedGen C0950123, MeSH D030342.

Submissions (2):

Ambry Genetics
Classification: Uncertain significance for Inborn genetic diseases. Last evaluated: 2026-05-23. Review status: criteria provided, single submitter. Criteria: Ambry Variant Classification Scheme 2023. Collection method: clinical testing. Allele origin: germline.

GeneDx
Classification: Uncertain significance. Last evaluated: 2023-12-13. Review status: criteria provided, single submitter. Criteria: GeneDx Variant Classification Process June 2021. Collection method: clinical testing. Allele origin: germline. Affected: yes.
Comment: Not observed at significant frequency in large population cohorts (gnomAD); In silico analysis supports that this missense variant has a deleterious effect on protein structure/function; Has not been previously published as pathogenic or benign to our knowledge